The following is an entry in ClinVar:

NM_000384.3(APOB):c.13564G>C (p.Asp4522His)

Gene: APOB (apolipoprotein B; minus strand). Cytogenetic location: 2p24.1.
Variant type: single nucleotide variant.
Coding change: c.13564G>C on transcript NM_000384.3 (MANE Select); coding-DNA position 13564, G replaced by C.
Protein change: p.Asp4522His; replaces aspartic acid 4522 with histidine.
Molecular consequence: missense variant.
Genome position (GRCh38, 1-based): chr2:21,001,858, C>G on the plus strand (G>C on the coding strand, the complement: APOB is on the minus strand). VCF-style: chr2-21001858-C-G. GRCh37 (hg19) VCF-style: chr2-21224730-C-G.
Other names: short protein forms D4522H.
Identifiers: ClinVar variation 4792050 (VCV004792050.1).
Genomic context (GRCh38, chr2:21,001,858, plus strand): 5'-GCTTTTTCAGTAACTCCGTGATGTATATCAGAAATGTGTGGTAGTTTTGAATGGACAGGT[C>G]AATCAATCTTTTGGATTCAGCAATAAATTTTTCATAGTAATCAGAGAGTTGGTCTGAAAA-3'
Protein context (NP_000375.3, residues 4512-4532): KFIAESKRLI[Asp4522His]LSIQNYHTFL

ClinVar aggregate classification (germline): Uncertain significance (1 of 4 stars; one submission).

Conditions:
Familial hypobetalipoproteinemia 1. Also called: Hypobetalipoproteinemia, normotriglyceridemic; Acanthocytosis with hypobetalipoproteinemia; APOB-Related Familial Hypobetalipoproteinemia. Identifiers: MedGen C4551990, MONDO:0014252, OMIM 615558.
Hypercholesterolemia, autosomal dominant, type B (FHCL2). Also called: Familial Hypercholesterolemia Type B; APOLIPOPROTEIN B-100, FAMILIAL DEFECTIVE; APOLIPOPROTEIN B-100, FAMILIAL LIGAND-DEFECTIVE; HYPERCHOLESTEROLEMIA, FAMILIAL, DUE TO LIGAND-DEFECTIVE APOLIPOPROTEIN B; APOB-Related Familial Hypercholesterolemia, Autosomal Dominant; Hyperlipoproteinemia Type IIb. Identifiers: MedGen C1704417, MONDO:0007751, OMIM 144010.

gnomAD v4.1: 2 of 1,613,972 alleles (0.00012%); highest among the groups gnomAD compares: Non-Finnish European, 0.00017%; no homozygotes.

Submission:

Labcorp Genetics (formerly Invitae), Labcorp
Classification: Uncertain significance for Familial hypobetalipoproteinemia 1; Hypercholesterolemia, autosomal dominant, type B. Last evaluated: 2025-07-23. Review status: criteria provided, single submitter. Criteria: Invitae Variant Classification Sherloc (09022015). Collection method: clinical testing. Allele origin: germline.
Comment: This sequence change replaces aspartic acid, which is acidic and polar, with histidine, which is basic and polar, at codon 4522 of the APOB protein (p.Asp4522His). This variant is not present in population databases (gnomAD no frequency). This variant has not been reported in the literature in individuals affected with APOB-related conditions. Invitae Evidence Modeling of protein sequence and biophysical properties (such as structural, functional, and spatial information, amino acid conservation, physicochemical variation, residue mobility, and thermodynamic stability) indicates that this missense variant is not expected to disrupt APOB protein function with a negative predictive value of 95%. In summary, the available evidence is currently insufficient to determine the role of this variant in disease. Therefore, it has been classified as a Variant of Uncertain Significance.